The following is an entry in ClinVar:

ClinVar aggregate classification (germline): Likely benign. Review status: criteria provided, multiple submitters, no conflicts (2 of 4 stars). 2 submissions from 2 submitters: Likely benign (2). Last evaluated 2022-08-31.

Conditions:
Hereditary nonpolyposis colorectal neoplasms. Identifiers: MedGen C0009405, MeSH D003123.

Allele frequency attached by ClinVar (database versions not stated): gnomAD 0.00001; TOPMed 0.00001.
gnomAD v4.1: 1 of 1,607,074 alleles (0.000062%); highest among the groups gnomAD compares: African/African-American, 0.0013%; no homozygotes.

Submissions (2):

Labcorp Genetics (formerly Invitae), Labcorp
Classification: Likely benign for Hereditary nonpolyposis colorectal neoplasms. Last evaluated: 2022-08-31. Review status: criteria provided, single submitter. Criteria: Invitae Variant Classification Sherloc (09022015). Collection method: clinical testing. Allele origin: germline.

GeneDx
Classification: Likely benign. Last evaluated: 2017-10-19. Review status: criteria provided, single submitter. Criteria: GeneDx Variant Classification (06012015). Collection method: clinical testing. Allele origin: germline. Affected: yes.
Comment: This variant is considered likely benign or benign based on one or more of the following criteria: it is a conservative change, it occurs at a poorly conserved position in the protein, it is predicted to be benign by multiple in silico algorithms, and/or has population frequency not consistent with disease.

NM_000179.3(MSH6):c.628-14T>G

Gene: MSH6 (mutS homolog 6; plus strand). Cytogenetic location: 2p16.3.
Variant type: single nucleotide variant.
Coding change: c.628-14T>G on transcript NM_000179.3 (MANE Select); 14 bases into the intron before coding-DNA position 628, T replaced by G.
Molecular consequence: intron variant.
Genome position (GRCh38, 1-based): chr2:47,798,597, T>G. VCF-style: chr2-47798597-T-G. GRCh37 (hg19) VCF-style: chr2-48025736-T-G.
Other names: c.-279-14T>G (NM_001281493.2); c.238-14T>G (NM_001281492.2); c.-275-18T>G (NM_001281494.2).
Identifiers: ClinVar variation 512687 (VCV000512687.6), dbSNP rs1282546478, ClinGen allele CA658795749.